The following is an entry in ClinVar:

NM_000170.3(GLDC):c.362A>G (p.His121Arg)

Gene: GLDC (glycine decarboxylase; minus strand). Cytogenetic location: 9p24.1.
Variant type: single nucleotide variant.
Coding change: c.362A>G on transcript NM_000170.3 (MANE Select); coding-DNA position 362, A replaced by G.
Protein change: p.His121Arg; replaces histidine 121 with arginine.
Molecular consequence: missense variant.
Genome position (GRCh38, 1-based): chr9:6,620,292, T>C on the plus strand (A>G on the coding strand, the complement: GLDC is on the minus strand). VCF-style: chr9-6620292-T-C. GRCh37 (hg19) VCF-style: chr9-6620292-T-C.
Other names: short protein forms H121R.
Identifiers: ClinVar variation 1714304 (VCV001714304.6), dbSNP rs2489124749, ClinGen allele CA372879699.

ClinVar aggregate classification (germline): Uncertain significance (1 of 4 stars; one submission).

Conditions:
Glycine encephalopathy. Also called: Non-ketotic hyperglycinemia; Nonketotic hyperglycinemia. Identifiers: Orphanet 407, MedGen C0751748, MONDO:0011612, HP:0008288.

gnomAD v4.1: 1 of 1,613,668 alleles (0.000062%); no homozygotes.

Submission:

Labcorp Genetics (formerly Invitae), Labcorp
Classification: Uncertain significance for Glycine encephalopathy. Last evaluated: 2022-07-30. Review status: criteria provided, single submitter. Criteria: Invitae Variant Classification Sherloc (09022015). Collection method: clinical testing. Allele origin: germline.
Comment: This variant has not been reported in the literature in individuals affected with GLDC-related conditions. This sequence change replaces histidine, which is basic and polar, with arginine, which is basic and polar, at codon 121 of the GLDC protein (p.His121Arg). This variant is not present in population databases (gnomAD no frequency). Advanced modeling of protein sequence and biophysical properties (such as structural, functional, and spatial information, amino acid conservation, physicochemical variation, residue mobility, and thermodynamic stability) performed at Invitae indicates that this missense variant is not expected to disrupt GLDC protein function. In summary, the available evidence is currently insufficient to determine the role of this variant in disease. Therefore, it has been classified as a Variant of Uncertain Significance.